The following is an entry in ClinVar:

ClinVar aggregate classification (germline): Uncertain significance. Review status: criteria provided, multiple submitters, no conflicts (2 of 4 stars). 2 submissions from 2 submitters: Uncertain significance (2). Last evaluated 2025-10-28.

Conditions:
Inborn genetic diseases. Identifiers: MedGen C0950123, MeSH D030342.

gnomAD v4.1: 2 of 1,609,730 alleles (0.00012%); highest among the groups gnomAD compares: East Asian, 0.0022%; no homozygotes.

Submissions (2):

Labcorp Genetics (formerly Invitae), Labcorp
Classification: Uncertain significance. Last evaluated: 2025-10-28. Review status: criteria provided, single submitter. Criteria: Invitae Variant Classification Sherloc (09022015). Collection method: clinical testing. Allele origin: germline.
Comment: This sequence change replaces leucine, which is neutral and non-polar, with proline, which is neutral and non-polar, at codon 1672 of the MYO18B protein (p.Leu1672Pro). This variant is not present in population databases (gnomAD no frequency). This variant has not been reported in the literature in individuals affected with MYO18B-related conditions. ClinVar contains an entry for this variant (Variation ID: 3876744). An algorithm developed to predict the effect of missense changes on protein structure and function (PolyPhen-2) suggests that this variant is likely to be disruptive. In summary, the available evidence is currently insufficient to determine the role of this variant in disease. Therefore, it has been classified as a Variant of Uncertain Significance.

Ambry Genetics
Classification: Uncertain significance for Inborn genetic diseases. Last evaluated: 2025-01-02. Review status: criteria provided, single submitter. Criteria: Ambry Variant Classification Scheme 2023. Collection method: clinical testing. Allele origin: germline.

NM_032608.7(MYO18B):c.5015T>C (p.Leu1672Pro)

Gene: MYO18B (myosin XVIIIB; plus strand). Cytogenetic location: 22q12.1.
Variant type: single nucleotide variant.
Coding change: c.5015T>C on transcript NM_032608.7 (MANE Select); coding-DNA position 5015, T replaced by C.
Protein change: p.Leu1672Pro; replaces leucine 1672 with proline.
Molecular consequence: missense variant.
Genome position (GRCh38, 1-based): chr22:25,903,698, T>C. VCF-style: chr22-25903698-T-C. GRCh37 (hg19) VCF-style: chr22-26299665-T-C.
Other names: c.5018T>C, p.Leu1673Pro (NM_001318245.2); short protein forms L1672P, L1673P.
Identifiers: ClinVar variation 3876744 (VCV003876744.2).